The following is an entry in ClinVar:

NM_001903.5(CTNNA1):c.2438A>C (p.Asp813Ala)

Gene: CTNNA1 (catenin alpha 1; plus strand). Cytogenetic location: 5q31.2.
Variant type: single nucleotide variant.
Coding change: c.2438A>C on transcript NM_001903.5 (MANE Select); coding-DNA position 2438, A replaced by C.
Protein change: p.Asp813Ala; replaces aspartic acid 813 with alanine.
Molecular consequence: missense variant. On other transcripts: intron variant (1).
Genome position (GRCh38, 1-based): chr5:138,933,806, A>C. VCF-style: chr5-138933806-A-C. GRCh37 (hg19) VCF-style: chr5-138269495-A-C.
Other names: NM_001290307.3:c.2509A>C; c.2509A>C, p.Thr837Pro (NM_001290307.3); c.2129A>C, p.Asp710Ala (NM_001290309.3); c.2069A>C, p.Asp690Ala (NM_001290310.3); c.1328A>C, p.Asp443Ala (NM_001290312.1, NM_001323987.1, NM_001323988.1 and 12 more transcripts); c.2438A>C, p.Asp813Ala (NM_001323982.2, NM_001323983.1, NM_001323984.2); c.2345A>C, p.Asp782Ala (NM_001323986.2); c.1193A>C, p.Asp398Ala (NM_001324001.1); and 5 more; short protein forms D330A, D362A, D398A, D412A, D443A, D690A, D710A, D782A.
Identifiers: ClinVar variation 3024413 (VCV003024413.1), dbSNP rs2533947640, ClinGen allele CA361134913.

ClinVar aggregate classification (germline): Uncertain significance (1 of 4 stars; one submission).

Conditions:
Congenital fibrosis of extraocular muscles. Also called: Congenital Fibrosis of the Extraocular Muscles. Identifiers: Orphanet 45358, MedGen C1302995, MONDO:0007614, HP:0001491.

Submission:

Broad Center for Mendelian Genomics, Broad Institute of MIT and Harvard
Classification: Uncertain significance for Congenital fibrosis of extraocular muscles. Last evaluated: 2024-02-26. Review status: criteria provided, single submitter. Criteria: ACMG Guidelines, 2015. Collection method: curation. Allele origin: germline. Inheritance: Autosomal dominant inheritance.
Comment: Trio exome analysis showed this variant to be de novo. While this gene has a definitive gene-disease association with CTNNA1-related gastric and lobular breast cancer and patterned macular dystrophy 2, it is lacking sufficient evidence to establish a gene-disease relationship for CFEOM. We believe this is a possible novel gene candidate for CFEOM. Given the limited information about this gene-disease relationship, the significance of the c.Asp813Ala variant is uncertain. If you have any additional information about functional evidence or other individuals with this phenotype that also have variants in CTNNA1 we encourage you to reach out to the Engle Lab.